The following is an entry in ClinVar:

NM_006648.4(WNK2):c.5144C>T (p.Ala1715Val)

Gene: WNK2 (WNK lysine deficient protein kinase 2; plus strand). Cytogenetic location: 9q22.31.
Variant type: single nucleotide variant.
Coding change: c.5144C>T on transcript NM_006648.4 (MANE Select); coding-DNA position 5144, C replaced by T.
Protein change: p.Ala1715Val; replaces alanine 1715 with valine.
Molecular consequence: missense variant.
Genome position (GRCh38, 1-based): chr9:93,292,609, C>T. VCF-style: chr9-93292609-C-T. GRCh37 (hg19) VCF-style: chr9-96054891-C-T.
Other names: c.5255C>T, p.Ala1752Val (NM_001282394.3); short protein forms A1715V, A1752V.
Identifiers: ClinVar variation 3982066 (VCV003982066.1).

ClinVar aggregate classification (germline): Uncertain significance (1 of 4 stars; one submission).

gnomAD v4.1: 1 of 1,579,978 alleles (0.000063%); highest among the groups gnomAD compares: Non-Finnish European, 0.000086%; no homozygotes.

Submission:

Ambry Genetics
Classification: Uncertain significance. Last evaluated: 2025-05-18. Review status: criteria provided, single submitter. Criteria: Ambry Variant Classification Scheme 2023. Collection method: clinical testing. Allele origin: germline.
Comment: The p.A1715V variant (also known as c.5144C>T), located in coding exon 22 of the WNK2 gene, results from a C to T substitution at nucleotide position 5144. The alanine at codon 1715 is replaced by valine, an amino acid with similar properties. This amino acid position is conserved. In addition, this alteration is predicted to be tolerated by in silico analysis. Based on the available evidence, the clinical significance of this variant remains unclear.